The following is an entry in ClinVar:

NM_001036.6(RYR3):c.12896G>A (p.Gly4299Asp)

Gene: RYR3 (ryanodine receptor 3; plus strand). Cytogenetic location: 15q14.
Variant type: single nucleotide variant.
Coding change: c.12896G>A on transcript NM_001036.6 (MANE Select); coding-DNA position 12896, G replaced by A.
Protein change: p.Gly4299Asp; replaces glycine 4299 with aspartic acid.
Molecular consequence: missense variant.
Genome position (GRCh38, 1-based): chr15:33,838,876, G>A. VCF-style: chr15-33838876-G-A. GRCh37 (hg19) VCF-style: chr15-34131077-G-A.
Other names: c.12881G>A, p.Gly4294Asp (NM_001243996.4); short protein forms G4299D, G4294D.
Identifiers: ClinVar variation 942440 (VCV000942440.1), dbSNP rs1464762533, ClinGen allele CA391596258.

ClinVar aggregate classification (germline): Uncertain significance (1 of 4 stars; one submission).

Conditions:
Epileptic encephalopathy. Identifiers: MedGen C0543888, HP:0200134.

Allele frequency attached by ClinVar (database versions not stated): TOPMed below 0.00001.
gnomAD v4.1: 1 of 1,613,974 alleles (0.000062%); highest among the groups gnomAD compares: South Asian, 0.0011%; no homozygotes.

Submission:

Labcorp Genetics (formerly Invitae), Labcorp
Classification: Uncertain significance for Epileptic encephalopathy. Last evaluated: 2019-11-08. Review status: criteria provided, single submitter. Criteria: Invitae Variant Classification Sherloc (09022015). Collection method: clinical testing. Allele origin: germline.
Comment: This sequence change replaces glycine with aspartic acid at codon 4299 of the RYR3 protein (p.Gly4299Asp). The glycine residue is highly conserved and there is a moderate physicochemical difference between glycine and aspartic acid. This variant is not present in population databases (ExAC no frequency). This variant has not been reported in the literature in individuals with RYR3-related conditions. Algorithms developed to predict the effect of missense changes on protein structure and function are either unavailable or do not agree on the potential impact of this missense change (SIFT: "Deleterious"; PolyPhen-2: "Benign"; Align-GVGD: "Class C0"). In summary, the available evidence is currently insufficient to determine the role of this variant in disease. Therefore, it has been classified as a Variant of Uncertain Significance.